The following is an entry in ClinVar:

ClinVar aggregate classification (germline): Uncertain significance. Review status: criteria provided, multiple submitters, no conflicts (2 of 4 stars). 2 submissions from 2 submitters: Uncertain significance (2). Last evaluated 2023-03-30.

Conditions:
Ritscher-Schinzel syndrome. Also called: CRANIOCEREBELLOCARDIAC DYSPLASIA. Identifiers: Orphanet 7, MedGen C0796137, MONDO:0019078.
Hereditary spastic paraplegia 8 (SPG8). Also called: SPASTIC PARAPLEGIA 8, AUTOSOMAL DOMINANT. Identifiers: Orphanet 100989, MedGen C1863704, MONDO:0011339, OMIM 603563.

Allele frequency attached by ClinVar (database versions not stated): TOPMed below 0.00001; gnomAD exomes 0.00001.
gnomAD v4.1: 7 of 1,613,132 alleles (0.00043%); highest among the groups gnomAD compares: Non-Finnish European, 0.00059%; no homozygotes.

Submissions (2):

Labcorp Genetics (formerly Invitae), Labcorp
Classification: Uncertain significance for Ritscher-Schinzel syndrome; Hereditary spastic paraplegia 8. Last evaluated: 2023-03-30. Review status: criteria provided, single submitter. Criteria: Invitae Variant Classification Sherloc (09022015). Collection method: clinical testing. Allele origin: germline.
Comment: Algorithms developed to predict the effect of sequence changes on RNA splicing suggest that this variant may disrupt the consensus splice site. In summary, the available evidence is currently insufficient to determine the role of this variant in disease. Therefore, it has been classified as a Variant of Uncertain Significance. Advanced modeling of protein sequence and biophysical properties (such as structural, functional, and spatial information, amino acid conservation, physicochemical variation, residue mobility, and thermodynamic stability) performed at Invitae indicates that this missense variant is not expected to disrupt WASHC5 protein function. This sequence change replaces serine, which is neutral and polar, with threonine, which is neutral and polar, at codon 932 of the WASHC5 protein (p.Ser932Thr). This variant is present in population databases (no rsID available, gnomAD 0.0009%). This variant has not been reported in the literature in individuals affected with WASHC5-related conditions.

CeGaT Center for Human Genetics Tuebingen
Classification: Uncertain significance. Last evaluated: 2022-03-01. Review status: criteria provided, single submitter. Criteria: CeGaT Center For Human Genetics Tuebingen Variant Classification Criteria Version 2. Collection method: clinical testing. Allele origin: germline. Affected: yes. Observed: 1 variant allele.
Comment: WASHC5: PM2

NM_014846.4(WASHC5):c.2794T>A (p.Ser932Thr)

Genes: WASHC5 (WASH complex subunit 5; minus strand), WASHC5-AS1 (WASHC5 antisense RNA 1; plus strand). Cytogenetic location: 8q24.13.
Variant type: single nucleotide variant.
Coding change: c.2794T>A on transcript NM_014846.4 (MANE Select); coding-DNA position 2794, T replaced by A.
Protein change: p.Ser932Thr; replaces serine 932 with threonine.
Molecular consequence: missense variant.
Genome position (GRCh38, 1-based): chr8:125,043,881, A>T on the plus strand (T>A on the coding strand, the complement: WASHC5 is on the minus strand). VCF-style: chr8-125043881-A-T. GRCh37 (hg19) VCF-style: chr8-126056123-A-T.
Other names: c.2350T>A, p.Ser784Thr (NM_001330609.2); short protein forms S784T, S932T.
Identifiers: ClinVar variation 2658802 (VCV002658802.27), dbSNP rs1296605223, ClinGen allele CA372187294.